The following is an entry in ClinVar:

ClinVar aggregate classification (germline): Uncertain significance (1 of 4 stars; one submission).

Allele frequency attached by ClinVar (database versions not stated): gnomAD 0.00001; TOPMed 0.00001; ESP Exome Variant Server 0.00008.
gnomAD v4.1: 1 of 1,613,480 alleles (0.000062%); highest among the groups gnomAD compares: African/African-American, 0.0013%; no homozygotes.

Submission:

Ambry Genetics
Classification: Uncertain significance. Last evaluated: 2022-04-05. Review status: criteria provided, single submitter. Criteria: Ambry Variant Classification Scheme 2023. Collection method: clinical testing. Allele origin: germline.
Comment: The p.V1223I variant (also known as c.3667G>A), located in coding exon 16 of the POLQ gene, results from a G to A substitution at nucleotide position 3667. The valine at codon 1223 is replaced by isoleucine, an amino acid with highly similar properties. This amino acid position is conserved. In addition, this alteration is predicted to be tolerated by in silico analysis. Since supporting evidence is limited at this time, the clinical significance of this alteration remains unclear.

NM_199420.4(POLQ):c.3667G>A (p.Val1223Ile)

Gene: POLQ (DNA polymerase theta; minus strand). Cytogenetic location: 3q13.33.
Variant type: single nucleotide variant.
Coding change: c.3667G>A on transcript NM_199420.4 (MANE Select); coding-DNA position 3667, G replaced by A.
Protein change: p.Val1223Ile; replaces valine 1223 with isoleucine.
Molecular consequence: missense variant.
Genome position (GRCh38, 1-based): chr3:121,489,264, C>T on the plus strand (G>A on the coding strand, the complement: POLQ is on the minus strand). VCF-style: chr3-121489264-C-T. GRCh37 (hg19) VCF-style: chr3-121208111-C-T.
Other names: short protein forms V1223I.
Identifiers: ClinVar variation 1733733 (VCV001733733.2), dbSNP rs370576936, ClinGen allele CA81836139.